The following is an entry in ClinVar:

NM_152564.5(VPS13B):c.8751G>A (p.Ser2917=)

Gene: VPS13B (vacuolar protein sorting 13 homolog B; plus strand). Cytogenetic location: 8q22.2.
Variant type: single nucleotide variant.
Coding change: c.8751G>A on transcript NM_152564.5 (MANE Select); coding-DNA position 8751, G replaced by A.
Protein change: p.Ser2917=; no amino-acid change (serine 2917 retained).
Molecular consequence: synonymous variant.
Genome position (GRCh38, 1-based): chr8:99,819,541, G>A. VCF-style: chr8-99819541-G-A. GRCh37 (hg19) VCF-style: chr8-100831769-G-A.
Other names: c.8826G>A, p.Ser2942= (NM_017890.5); c.8751G>A (NM_152564.4).
Identifiers: ClinVar variation 285278 (VCV000285278.28), dbSNP rs775883776, ClinGen allele CA4824538.

ClinVar aggregate classification (germline): Conflicting classifications of pathogenicity. Review status: criteria provided, conflicting classifications (1 of 4 stars). 7 submissions from 7 submitters: Uncertain significance (2); Likely benign (3). 2 of the submissions do not count toward it. Last evaluated 2025-10-15.

Conditions:
Cohen syndrome (COH1). Also called: Cutis verticis gyrata, retinitis pigmentosa, and sensorineural deafness; PEPPER SYNDROME. Identifiers: Orphanet 193, MedGen C0265223, MONDO:0008999, OMIM 216550.
VPS13B-related disorder. Also called: VPS13B-related condition.

Allele frequency attached by ClinVar (database versions not stated): TOPMed 0.00002; gnomAD 0.00003 and 0.00005; gnomAD exomes 0.00010; ExAC 0.00012.
gnomAD v4.1: 203 of 1,613,652 alleles (0.013%); highest among the groups gnomAD compares: East Asian, 0.37%; no homozygotes.

Submissions (7):

Labcorp Genetics (formerly Invitae), Labcorp
Classification: Likely benign for Cohen syndrome. Last evaluated: 2025-10-15. Review status: criteria provided, single submitter. Criteria: Invitae Variant Classification Sherloc (09022015). Collection method: clinical testing. Allele origin: germline.

Blueprint Genetics
Classification: Likely benign. Last evaluated: 2024-09-20. Review status: criteria provided, single submitter. Criteria: ACMG Guidelines, 2015. Collection method: clinical testing. Allele origin: germline.

Illumina Laboratory Services, Illumina
Classification: Uncertain significance for Cohen syndrome. Last evaluated: 2018-01-12. Review status: criteria provided, single submitter. Criteria: ICSL Variant Classification Criteria 13 December 2019. Collection method: clinical testing. Allele origin: germline.

Genetic Services Laboratory, University of Chicago
Classification: Likely benign. Last evaluated: 2017-01-29. Review status: criteria provided, single submitter. Criteria: ACMG Guidelines, 2015. Collection method: clinical testing. Allele origin: germline. Affected: no.

Eurofins Ntd Llc (ga)
Classification: Uncertain significance. Last evaluated: 2016-01-14. Review status: criteria provided, single submitter. Criteria: EGL Classification Definitions 2015. Collection method: clinical testing. Allele origin: germline. Observed: 1 variant allele, 1 heterozygote.

Natera, Inc.
Classification: Likely benign for Cohen syndrome. Last evaluated: 2020-09-16. Review status: no assertion criteria provided. Collection method: clinical testing. Allele origin: germline. Not counted in ClinVar's aggregate classification.

PreventionGenetics, part of Exact Sciences
Classification: Likely benign for VPS13B-related condition. Last evaluated: 2020-07-25. Review status: no assertion criteria provided. Collection method: clinical testing. Allele origin: germline. Not counted in ClinVar's aggregate classification.
Comment: This variant is classified as likely benign based on ACMG/AMP sequence variant interpretation guidelines (Richards et al. 2015 PMID: 25741868, with internal and published modifications).